The following is an entry in ClinVar:

NM_201384.3(PLEC):c.1604A>C (p.Asn535Thr)

Gene: PLEC (plectin; minus strand). Cytogenetic location: 8q24.3.
Variant type: single nucleotide variant.
Coding change: c.1604A>C on transcript NM_201384.3 (MANE Select); coding-DNA position 1604, A replaced by C.
Protein change: p.Asn535Thr; replaces asparagine 535 with threonine.
Molecular consequence: missense variant.
Genome position (GRCh38, 1-based): chr8:143,932,926, T>G on the plus strand (A>C on the coding strand, the complement: PLEC is on the minus strand). VCF-style: chr8-143932926-T-G. GRCh37 (hg19) VCF-style: chr8-145007094-T-G.
Other names: c.1685A>C, p.Asn562Thr (NM_000445.5, NM_001410941.1); c.1562A>C, p.Asn521Thr (NM_201378.4); c.1538A>C, p.Asn513Thr (NM_201379.3); c.2015A>C, p.Asn672Thr (NM_201380.4); c.1508A>C, p.Asn503Thr (NM_201381.3); c.1604A>C, p.Asn535Thr (NM_201382.4); c.1616A>C, p.Asn539Thr (NM_201383.3); short protein forms N503T, N521T, N562T, N672T, N513T, N535T, N539T.
Identifiers: ClinVar variation 2129060 (VCV002129060.4), dbSNP rs1554718436, ClinGen allele CA372580759.

ClinVar aggregate classification (germline): Uncertain significance (1 of 4 stars; one submission).

Conditions:
Epidermolysis bullosa simplex with nail dystrophy (EBS5D). Identifiers: MedGen C4225309, MONDO:0014661, OMIM 616487.
Autosomal recessive limb-girdle muscular dystrophy type 2Q (LGMDR17). Also called: MUSCULAR DYSTROPHY, LIMB-GIRDLE, AUTOSOMAL RECESSIVE 17. Identifiers: Orphanet 254361, MedGen C3150989, MONDO:0013390, OMIM 613723.
Epidermolysis bullosa simplex 5B, with muscular dystrophy (EBS5B). Also called: EPIDERMOLYSIS BULLOSA SIMPLEX AND LIMB-GIRDLE MUSCULAR DYSTROPHY; Epidermolysis bullosa simplex with muscular dystrophy. Identifiers: Orphanet 257, MedGen C2931072, MONDO:0009181, OMIM 226670.
Epidermolysis bullosa simplex, Ogna type (EBS5A). Also called: Pidermolysis bullosa simplex 5A, Ogna type; EPIDERMOLYSIS BULLOSA SIMPLEX 5A, OGNA TYPE. Identifiers: Orphanet 79401, MedGen C0432317, MONDO:0007555, OMIM 131950.
Epidermolysis bullosa simplex 5C, with pyloric atresia (EBS5C). Also called: PLEC-Related Epidermolysis Bullosa with Pyloric Atresia; Epidermolysis bullosa simplex with pyloric atresia; PLEC1-Related Epidermolysis Bullosa with Pyloric Atresia. Identifiers: Orphanet 158684, MedGen C2677349, MONDO:0012807, OMIM 612138.

Submission:

Labcorp Genetics (formerly Invitae), Labcorp
Classification: Uncertain significance for Autosomal recessive limb-girdle muscular dystrophy type 2Q; Epidermolysis bullosa simplex, Ogna type; Epidermolysis bullosa simplex with nail dystrophy; Epidermolysis bullosa simplex 5C, with pyloric atresia; Epidermolysis bullosa simplex 5B, with muscular dystrophy. Last evaluated: 2022-04-22. Review status: criteria provided, single submitter. Criteria: Invitae Variant Classification Sherloc (09022015). Collection method: clinical testing. Allele origin: germline.
Comment: This variant is not present in population databases (gnomAD no frequency). This sequence change replaces asparagine, which is neutral and polar, with threonine, which is neutral and polar, at codon 562 of the PLEC protein (p.Asn562Thr). This variant has not been reported in the literature in individuals affected with PLEC-related conditions. In summary, the available evidence is currently insufficient to determine the role of this variant in disease. Therefore, it has been classified as a Variant of Uncertain Significance. Algorithms developed to predict the effect of missense changes on protein structure and function are either unavailable or do not agree on the potential impact of this missense change (SIFT: "Deleterious"; PolyPhen-2: "Not Available"; Align-GVGD: "Class C55").